The following is an entry in ClinVar:

NM_000212.3(ITGB3):c.1690G>C (p.Gly564Arg)

Gene: ITGB3 (integrin subunit beta 3; plus strand). Cytogenetic location: 17q21.32.
Variant type: single nucleotide variant.
Coding change: c.1690G>C on transcript NM_000212.3 (MANE Select); coding-DNA position 1690, G replaced by C.
Protein change: p.Gly564Arg; replaces glycine 564 with arginine.
Molecular consequence: missense variant.
Genome position (GRCh38, 1-based): chr17:47,292,568, G>C. VCF-style: chr17-47292568-G-C. GRCh37 (hg19) VCF-style: chr17-45369934-G-C.
Other names: NM_000212.3:c.1690G>C; short protein forms G564R.
Identifiers: ClinVar variation 1330351 (VCV001330351.2), dbSNP rs2143114313, ClinGen allele CA400030376.

ClinVar aggregate classification (germline): Uncertain significance (3 of 4 stars; one submission).

Conditions:
Glanzmann thrombasthenia. Also called: THROMBASTHENIA OF GLANZMANN AND NAEGELI; BLEEDING DISORDER, PLATELET-TYPE, 2; Thrombasthenia; PLATELET GLYCOPROTEIN IIb-IIIa DEFICIENCY; Glanzmann's thrombasthenia. Identifiers: Orphanet 849, MedGen C0040015, MONDO:0100326.

Allele frequency attached by ClinVar (database versions not stated): gnomAD exomes below 0.00001.
gnomAD v4.1: 1 of 1,600,120 alleles (0.000062%); highest among the groups gnomAD compares: Non-Finnish European, 0.000085%; no homozygotes.

Submission:

ClinGen Platelet Disorders Variant Curation Expert Panel, ClinGen
Classification: Uncertain significance for Glanzmann thrombasthenia. Last evaluated: 2024-10-15. Review status: reviewed by expert panel. Criteria: ClinGen Platelet ACMG Specifications v2-1. Collection method: curation. Allele origin: germline. Inheritance: Autosomal recessive inheritance.
Comment: The NM_000212.3(ITGB3):c.1690G>C (p.Gly564Arg) missense variant has been reported in one patient, GT3 (of PMID: 32237906) with mucocutaneous bleeding and impaired aggregation with all agonists except ristocetin, which is highly specific for Glanzmann thrombasthenia (PP4_moderate). Additionally, β3 surface expression was reduced to 0.61%, as measured by flow cytometry. GT3 of PMID: 32237906 is compound heterozygous for this variant and a pathogenic variant (c.361+1G>A) (PM3_Supporting). The highest population minor allele frequency in gnomAD v4.1 is 8.475e-7 (1/1179884 alleles) in the European Non-Finnish population, which is lower than the ClinGen PD VCEP threshold (<0.0001; PM2_Supporting). The computational predictor REVEL gives a score of 0.749, which is above the ClinGen PD VCEP threshold of >0.7 and predicts a damaging effect on ITGB3 function (PP3). In summary, this variant meets the criteria to be classified as uncertain significance for autosomal recessive Glanzmann Thrombasthenia based on the ACMG/AMP criteria applied, as specified by the ClinGen PD VCEP: PP4_moderate, PM3_supporting, PM2_supporitng, PP3. (VCEP specifications version 2).